The following is an entry in ClinVar:

NM_000282.4(PCCA):c.642C>T (p.Tyr214=)

Gene: PCCA (propionyl-CoA carboxylase subunit alpha; plus strand). Cytogenetic location: 13q32.3.
Variant type: single nucleotide variant.
Coding change: c.642C>T on transcript NM_000282.4 (MANE Select); coding-DNA position 642, C replaced by T.
Protein change: p.Tyr214=; no amino-acid change (tyrosine 214 retained).
Molecular consequence: synonymous variant. On other transcripts: non-coding transcript variant (5), intron variant (3).
Genome position (GRCh38, 1-based): chr13:100,257,599, C>T. VCF-style: chr13-100257599-C-T. GRCh37 (hg19) VCF-style: chr13-100909853-C-T.
Other names: c.564C>T, p.Tyr188= (NM_001127692.3, NM_001352607.2, NM_001352608.2); c.642C>T, p.Tyr214= (NM_001178004.2, NM_001352605.2, NM_001352606.2 and 1 more transcripts); c.-229-5130C>T (NM_001352610.2, NM_001352611.2, NM_001352612.2).
Identifiers: ClinVar variation 3036397 (VCV003036397.2), dbSNP rs2062158807, ClinGen allele CA484743097.

ClinVar aggregate classification (germline): Likely benign (0 of 4 stars; one submission).

Conditions:
PCCA-related disorder. Also called: PCCA-related condition.

Allele frequency attached by ClinVar (database versions not stated): gnomAD exomes 0.00001.
gnomAD v4.1: 10 of 1,612,530 alleles (0.00062%); highest among the groups gnomAD compares: Non-Finnish European, 0.00085%; no homozygotes.

Submission:

PreventionGenetics, part of Exact Sciences
Classification: Likely benign for PCCA-related condition. Last evaluated: 2021-03-04. Review status: no assertion criteria provided. Collection method: clinical testing. Allele origin: germline.
Comment: This variant is classified as likely benign based on ACMG/AMP sequence variant interpretation guidelines (Richards et al. 2015 PMID: 25741868, with internal and published modifications).